The following is an entry in ClinVar:

ClinVar aggregate classification (germline): Likely benign. Review status: criteria provided, multiple submitters, no conflicts (2 of 4 stars). 2 submissions from 2 submitters: Likely benign (2). Last evaluated 2024-03-14.

Conditions:
Hereditary cancer-predisposing syndrome. Also called: Hereditary Cancer Syndrome; Hereditary neoplastic syndrome; Neoplastic Syndromes, Hereditary; Tumor predisposition. Identifiers: Orphanet 140162, MedGen C0027672, MeSH D009386, MONDO:0015356.

Submissions (2):

Ambry Genetics
Classification: Likely benign for Hereditary cancer-predisposing syndrome. Last evaluated: 2024-03-14. Review status: criteria provided, single submitter. Criteria: Ambry Variant Classification Scheme 2023. Collection method: clinical testing. Allele origin: germline.

GeneDx
Classification: Likely benign. Last evaluated: 2016-10-10. Review status: criteria provided, single submitter. Criteria: GeneDx Variant Classification (06012015). Collection method: clinical testing. Allele origin: germline. Affected: yes.
Comment: This variant is considered likely benign or benign based on one or more of the following criteria: it is a conservative change, it occurs at a poorly conserved position in the protein, it is predicted to be benign by multiple in silico algorithms, and/or has population frequency not consistent with disease.

NM_007294.4(BRCA1):c.3879T>C (p.Ala1293=)

Genes: BRCA1 (BRCA1 DNA repair associated; minus strand), LOC126862571 (BRD4-independent group 4 enhancer GRCh37_chr17:41243136-41244335; plus strand). Cytogenetic location: 17q21.31.
Variant type: single nucleotide variant.
Coding change: c.3879T>C on transcript NM_007294.4 (MANE Select); coding-DNA position 3879, T replaced by C.
Protein change: p.Ala1293=; no amino-acid change (alanine 1293 retained).
Molecular consequence: synonymous variant. On other transcripts: intron variant (135).
Genome position (GRCh38, 1-based): chr17:43,091,652, A>G on the plus strand (T>C on the coding strand, the complement: BRCA1 is on the minus strand). VCF-style: chr17-43091652-A-G. GRCh37 (hg19) VCF-style: chr17-41243669-A-G.
Other names: c.3801T>C, p.Ala1267= (NM_001407654.1, NM_001407656.1, NM_001407657.1 and 4 more transcripts); c.3879T>C, p.Ala1293= (NM_001407596.1, NM_001407598.1, NM_001407581.1 and 30 more transcripts); c.3666T>C, p.Ala1222= (NM_001407571.1, NM_001407853.1, NM_001407894.1 and 9 more transcripts); c.3798T>C, p.Ala1266= (NM_001407659.1, NM_001407660.1, NM_001407661.1 and 1 more transcripts); c.3876T>C, p.Ala1292= (NM_001407587.1, NM_001407610.1, NM_001407590.1 and 22 more transcripts); c.578-620T>C (NM_001408489.1, NM_001408479.1, NM_001408482.1 and 9 more transcripts); c.662-620T>C (NM_001408445.1, NM_001408432.1, NM_001408450.1 and 6 more transcripts); c.668-620T>C (NM_001408431.1, NM_001408424.1, NM_001408421.1); and 41 more.
Identifiers: ClinVar variation 389912 (VCV000389912.3), dbSNP rs1057523579, ClinGen allele CA16608446.